The following is an entry in ClinVar:

NM_006206.6(PDGFRA):c.2535T>A (p.His845Gln)

Gene: PDGFRA (platelet derived growth factor receptor alpha; plus strand). Cytogenetic location: 4q12.
Variant type: single nucleotide variant.
Coding change: c.2535T>A on transcript NM_006206.6 (MANE Select); coding-DNA position 2535, T replaced by A.
Protein change: p.His845Gln; replaces histidine 845 with glutamine.
Molecular consequence: missense variant.
Genome position (GRCh38, 1-based): chr4:54,285,936, T>A. VCF-style: chr4-54285936-T-A. GRCh37 (hg19) VCF-style: chr4-55152103-T-A.
Other names: c.2610T>A, p.His870Gln (NM_001347828.2); c.2535T>A, p.His845Gln (NM_001347829.2); c.2574T>A, p.His858Gln (NM_001347830.2); short protein forms H845Q, H858Q, H870Q.
Identifiers: ClinVar variation 4743366 (VCV004743366.1).

ClinVar aggregate classification (germline): Uncertain significance (1 of 4 stars; one submission).

Conditions:
Gastrointestinal stromal tumor. Also called: Gastrointestinal stromal tumor, somatic; Gastrointestinal stroma tumor. Identifiers: Orphanet 44890, MedGen C0238198, MeSH D046152, MONDO:0011719, OMIM 606764, HP:0100723.

Submission:

Labcorp Genetics (formerly Invitae), Labcorp
Classification: Uncertain significance for Gastrointestinal stromal tumor. Last evaluated: 2025-12-30. Review status: criteria provided, single submitter. Criteria: Invitae Variant Classification Sherloc (09022015). Collection method: clinical testing. Allele origin: germline.
Comment: This sequence change replaces histidine, which is basic and polar, with glutamine, which is neutral and polar, at codon 845 of the PDGFRA protein (p.His845Gln). This variant is not present in population databases (gnomAD no frequency). This variant has not been reported in the literature in individuals affected with PDGFRA-related conditions. Invitae Evidence Modeling of protein sequence and biophysical properties (such as structural, functional, and spatial information, amino acid conservation, physicochemical variation, residue mobility, and thermodynamic stability) indicates that this missense variant is not expected to disrupt PDGFRA protein function with a negative predictive value of 80%. In summary, the available evidence is currently insufficient to determine the role of this variant in disease. Therefore, it has been classified as a Variant of Uncertain Significance.